The following is an entry in ClinVar:

ClinVar aggregate classification (germline): Uncertain significance (1 of 4 stars; one submission).

Conditions:
Familial thoracic aortic aneurysm and aortic dissection (TAAD). Also called: Thoracic aortic aneurysms and dissections. Identifiers: Orphanet 91387, MedGen C4707243, MONDO:0019625.

Allele frequency attached by ClinVar (database versions not stated): gnomAD exomes below 0.00001.
gnomAD v4.1: 1 of 1,612,852 alleles (0.000062%); highest among the groups gnomAD compares: Non-Finnish European, 0.000085%; no homozygotes.

Submission:

Ambry Genetics
Classification: Uncertain significance for Familial thoracic aortic aneurysm and aortic dissection. Last evaluated: 2021-10-19. Review status: criteria provided, single submitter. Criteria: Ambry Variant Classification Scheme 2023. Collection method: clinical testing. Allele origin: germline.
Comment: The p.V2347L variant (also known as c.7039G>C), located in coding exon 34 of the NOTCH1 gene, results from a G to C substitution at nucleotide position 7039. The valine at codon 2347 is replaced by leucine, an amino acid with highly similar properties. This amino acid position is conserved. In addition, this alteration is predicted to be tolerated by in silico analysis. Since supporting evidence is limited at this time, the clinical significance of this alteration remains unclear.

NM_017617.5(NOTCH1):c.7039G>C (p.Val2347Leu)

Gene: NOTCH1 (notch receptor 1; minus strand). Cytogenetic location: 9q34.3.
Variant type: single nucleotide variant.
Coding change: c.7039G>C on transcript NM_017617.5 (MANE Select); coding-DNA position 7039, G replaced by C.
Protein change: p.Val2347Leu; replaces valine 2347 with leucine.
Molecular consequence: missense variant.
Genome position (GRCh38, 1-based): chr9:136,496,700, C>G on the plus strand (G>C on the coding strand, the complement: NOTCH1 is on the minus strand). VCF-style: chr9-136496700-C-G. GRCh37 (hg19) VCF-style: chr9-139391152-C-G.
Other names: short protein forms V2347L.
Identifiers: ClinVar variation 1756814 (VCV001756814.2), dbSNP rs2540421229, ClinGen allele CA375629135.